The following is an entry in ClinVar:

ClinVar aggregate classification (germline): Conflicting classifications of pathogenicity. Review status: criteria provided, conflicting classifications (1 of 4 stars). 3 submissions from 3 submitters: Likely pathogenic (2); Uncertain significance (1). Last evaluated 2026-07-27.

Conditions:
Inborn genetic diseases. Identifiers: MedGen C0950123, MeSH D030342.
Tumor predisposition syndrome 2 (TPDS2). Also called: MBD4-associated neoplasia syndrome (MANS); MBD4-Related Tumor Predisposition Syndrome; MBD4-ASSOCIATED NEOPLASIA SYNDROME. Identifiers: Orphanet 661526, MedGen C5774186, MONDO:0859267, OMIM 619975.

Allele frequency attached by ClinVar (database versions not stated): TOPMed 0.00002; ExAC 0.00001; gnomAD 0.00002; ESP Exome Variant Server 0.00008.

Submissions (3):

Myriad Genetics, Inc.
Classification: Likely pathogenic for Tumor predisposition syndrome 2. Last evaluated: 2026-07-27. Review status: criteria provided, single submitter. Criteria: Myriad Autosomal Dominant, Autosomal Recessive and X-Linked Classification Criteria (2023). Collection method: clinical testing. Allele origin: unknown.
Comment: This variant is considered likely pathogenic. mRNA analysis has demonstrated abnormal mRNA splicing occurs [Myriad internal data].

Labcorp Genetics (formerly Invitae), Labcorp
Classification: Uncertain significance. Last evaluated: 2025-12-29. Review status: criteria provided, single submitter. Criteria: Invitae Variant Classification Sherloc (09022015). Collection method: clinical testing. Allele origin: germline.
Comment: This sequence change replaces serine, which is neutral and polar, with asparagine, which is neutral and polar, at codon 112 of the MBD4 protein (p.Ser112Asn). This variant also falls at the last nucleotide of exon 2, which is part of the consensus splice site for this exon. This variant is present in population databases (rs376818323, gnomAD 0.004%). This variant has not been reported in the literature in individuals affected with MBD4-related conditions. ClinVar contains an entry for this variant (Variation ID: 2900112). An algorithm developed to predict the effect of missense changes on protein structure and function (PolyPhen-2) suggests that this variant is likely to be disruptive. Variants that disrupt the consensus splice site are a relatively common cause of aberrant splicing (PMID: 17576681, 9536098). Algorithms developed to predict the effect of sequence changes on RNA splicing suggest that this variant may disrupt the consensus splice site. In summary, the available evidence is currently insufficient to determine the role of this variant in disease. Therefore, it has been classified as a Variant of Uncertain Significance.

Ambry Genetics
Classification: Likely pathogenic for Inborn genetic diseases. Last evaluated: 2025-03-04. Review status: criteria provided, single submitter. Criteria: Ambry Variant Classification Scheme 2023. Collection method: clinical testing. Allele origin: germline.
Comment: The c.335G>A variant (also known as p.S112N), located in coding exon 2 of the MBD4 gene, results from a G to A substitution at nucleotide position 335. The serine at codon 112 is replaced by asparagine, an amino acid with highly similar properties. However, this change occurs in the last base pair of coding exon 2, which makes it likely to have some effect on normal mRNA splicing. This variant is considered to be rare based on population cohorts in the Genome Aggregation Database (gnomAD). This nucleotide position is highly conserved in available vertebrate species. In silico splice site analysis predicts that this alteration will weaken the native splice donor site. RNA studies have demonstrated that this alteration results in abnormal splicing in the set of samples tested (Ambry internal data). Based on the majority of available evidence to date, this variant is likely to be pathogenic.

Literature cited by the submitters: PubMed 17576681 (cited by Labcorp Genetics (formerly Invitae), Labcorp); PubMed 9536098 (cited by Labcorp Genetics (formerly Invitae), Labcorp).

NM_001276270.2(MBD4):c.335G>A (p.Ser112Asn)

Gene: MBD4 (methyl-CpG binding domain 4, DNA glycosylase; minus strand). Cytogenetic location: 3q21.3.
Variant type: single nucleotide variant.
Coding change: c.335G>A on transcript NM_001276270.2 (MANE Select); coding-DNA position 335, G replaced by A.
Protein change: p.Ser112Asn; replaces serine 112 with asparagine.
Molecular consequence: missense variant. On other transcripts: intron variant (1).
Genome position (GRCh38, 1-based): chr3:129,437,720, C>T on the plus strand (G>A on the coding strand, the complement: MBD4 is on the minus strand). VCF-style: chr3-129437720-C-T. GRCh37 (hg19) VCF-style: chr3-129156563-C-T.
Other names: c.335G>A, p.Ser112Asn (NM_001276271.2, NM_001276272.2, NM_003925.3); c.247+88G>A (NM_001276273.2); short protein forms S112N.
Identifiers: ClinVar variation 2900112 (VCV002900112.5), dbSNP rs376818323, ClinGen allele CA2605556.
Genomic context (GRCh38, chr3:129,437,720, plus strand): 5'-CCACTACCTGCCCAGACAAAATCATTTGGCTGTACTATCTTTACCATCTTATATGCTTAC[C>T]TGATAAAGTACACATCAAATCTTCCTGCTGTCTTCCCAAATAACCTTTGCTTCACAACTC-3'
Protein context (NP_001263199.1, residues 102-122): TAGRFDVYFI[Ser112Asn]PQGLKFRSKS